The following is an entry in ClinVar:

NM_001304548.2(CFAP47):c.6520A>G (p.Asn2174Asp)

Gene: CFAP47 (cilia and flagella associated protein 47; plus strand). Cytogenetic location: Xp21.1.
Variant type: single nucleotide variant.
Coding change: c.6520A>G on transcript NM_001304548.2 (MANE Select); coding-DNA position 6520, A replaced by G.
Protein change: p.Asn2174Asp; replaces asparagine 2174 with aspartic acid.
Molecular consequence: missense variant.
Genome position (GRCh38, 1-based): chrX:36,201,357, A>G. VCF-style: chrX-36201357-A-G. GRCh37 (hg19) VCF-style: chrX-36219474-A-G.
Other names: short protein forms N2174D.
Identifiers: ClinVar variation 3029429 (VCV003029429.2), dbSNP rs782211742, ClinGen allele CA328884468.

ClinVar aggregate classification (germline): Likely benign (0 of 4 stars; one submission).

Conditions:
CFAP47-related disorder. Also called: CFAP47-related condition.

Allele frequency attached by ClinVar (database versions not stated): TOPMed 0.00031; gnomAD exomes 0.00005; gnomAD 0.00019; 1000 Genomes Project 30x 0.00021; 1000 Genomes Project 0.00026.
gnomAD v4.1: 31 of 295,557 alleles (0.01%); highest among the groups gnomAD compares: African/African-American, 0.08%; no homozygotes.

Submission:

PreventionGenetics, part of Exact Sciences
Classification: Likely benign for CFAP47-related condition. Last evaluated: 2023-04-28. Review status: no assertion criteria provided. Collection method: clinical testing. Allele origin: germline.
Comment: This variant is classified as likely benign based on ACMG/AMP sequence variant interpretation guidelines (Richards et al. 2015 PMID: 25741868, with internal and published modifications).